The following is an entry in ClinVar:

ClinVar aggregate classification (germline): Benign/Likely benign. Review status: criteria provided, multiple submitters, no conflicts (2 of 4 stars). 5 submissions from 5 submitters: Benign (3); Likely benign (2). Last evaluated 2026-01-27.

Conditions:
Cardiovascular phenotype. Identifiers: MedGen CN230736.
CACNA1C-related disorder. Also called: CACNA1C-related disorders; CACNA1C-related condition. Identifiers: MedGen CN381092, MONDO:0700321.
Long QT syndrome (LQTS). Identifiers: MedGen C0023976, MeSH D008133, MONDO:0002442. Disease mechanism: loss of function. Inheritance: Various modes of inheritance.

Allele frequency attached by ClinVar (database versions not stated): gnomAD exomes 0.00011; 1000 Genomes Project 30x 0.00016; 1000 Genomes Project 0.00020; ExAC 0.00029; gnomAD 0.00053 and 0.00058; TOPMed 0.00054; ESP Exome Variant Server 0.00065.
gnomAD v4.1: 143 of 1,600,474 alleles (0.0089%); highest among the groups gnomAD compares: African/African-American, 0.17%; no homozygotes.

Submissions (5):

Labcorp Genetics (formerly Invitae), Labcorp
Classification: Benign for Long QT syndrome. Last evaluated: 2026-01-27. Review status: criteria provided, single submitter. Criteria: Invitae Variant Classification Sherloc (09022015). Collection method: clinical testing. Allele origin: germline.

PreventionGenetics, part of Exact Sciences
Classification: Likely benign for CACNA1C-related condition. Last evaluated: 2025-12-17. Review status: criteria provided, single submitter. Criteria: ACMG Guidelines, 2015. Collection method: clinical testing. Allele origin: germline.
Comment: This variant is classified as likely benign based on ACMG/AMP sequence variant interpretation guidelines (Richards et al. 2015 PMID: 25741868, with internal and published modifications).

CeGaT Center for Human Genetics Tuebingen
Classification: Benign. Last evaluated: 2022-03-01. Review status: criteria provided, single submitter. Criteria: CeGaT Center For Human Genetics Tuebingen Variant Classification Criteria Version 2. Collection method: clinical testing. Allele origin: germline. Affected: yes. Observed: 1 variant allele.
Comment: CACNA1C: BS1, BS2

Ambry Genetics
Classification: Likely benign for Cardiovascular phenotype. Last evaluated: 2016-02-02. Review status: criteria provided, single submitter. Criteria: Ambry Variant Classification Scheme 2023. Collection method: clinical testing. Allele origin: germline.

GeneDx
Classification: Benign. Last evaluated: 2015-03-03. Review status: criteria provided, single submitter. Criteria: GeneDx Variant Classification Process June 2021. Collection method: clinical testing. Allele origin: germline. Affected: yes.

NM_000719.7(CACNA1C):c.5391C>G (p.Pro1797=)

Genes: CACNA1C (calcium voltage-gated channel subunit alpha1 C; plus strand), CACNA1C-AS1 (CACNA1C antisense RNA 1; minus strand). Cytogenetic location: 12p13.33.
Variant type: single nucleotide variant.
Coding change: c.5391C>G on transcript NM_000719.7 (MANE Select); coding-DNA position 5391, C replaced by G.
Protein change: p.Pro1797=; no amino-acid change (proline 1797 retained).
Molecular consequence: synonymous variant.
Genome position (GRCh38, 1-based): chr12:2,679,743, C>G. VCF-style: chr12-2679743-C-G. GRCh37 (hg19) VCF-style: chr12-2788909-C-G.
Other names: c.5535C>G, p.Pro1845= (NM_001129827.2, NM_199460.4); c.5514C>G, p.Pro1838= (NM_001129829.2); c.5391C>G, p.Pro1797= (NM_001129830.3, NM_001129840.2, NM_001129841.2 and 4 more transcripts); c.5475C>G, p.Pro1825= (NM_001129831.2); c.5451C>G, p.Pro1817= (NM_001129832.2); c.5448C>G, p.Pro1816= (NM_001129833.2, NM_001129834.2, NM_001129835.2); c.5442C>G, p.Pro1814= (NM_001129836.2); c.5415C>G, p.Pro1805= (NM_001129837.2, NM_001129838.2); and 3 more.
Identifiers: ClinVar variation 238175 (VCV000238175.43), dbSNP rs376124689, ClinGen allele CA6389771.
Genomic context (GRCh38, chr12:2,679,743, plus strand): 5'-CCTCCCTCGCCCCGCCGGCTACCCCAGCACGGTCAGCACTGTGGAGGGCCACGGGCCCCC[C>G]TTGTCCCCTGCCATCCGGGTGCAGGAGGTGGCGTGGAAGCTCAGCTCCAACAGGTAAGTG-3'
Protein context (NP_000710.5, residues 1787-1807): TVSTVEGHGP[Pro1797=]LSPAIRVQEV